The following is an entry in ClinVar:

ClinVar aggregate classification (germline): Likely risk allele. Review status: criteria provided, single submitter (1 of 4 stars). 2 submissions from 2 submitters: Likely risk allele (1). 1 of the submissions does not count toward it.

Conditions:
Wolfram syndrome 1 (WFS1). Identifiers: Orphanet 3463, MedGen C4551693, MONDO:0009101, OMIM 222300.

Submissions (2):

Clinical Genomics, Uppaluri K&H Personalized Medicine Clinic
Classification: Likely risk allele for Wolfram syndrome 1. Review status: criteria provided, single submitter. Criteria: K & H Uppaluri Personalized Medicine Clinic Variant Classification & Assertion Criteria_Updated V.1. Collection method: research. Allele origin: unknown. Inheritance: Autosomal recessive inheritance.
Comment: Potent mutations in WFS1 gene are associated with Wolfram's syndrome, an autosomal recessive condition, which cause diabetes mellitus, diabetes insipidus, deafness and optic atrophy. However no sufficient evidence is found to ascertain the role of this particular variant rs1560419651 in Wolfram's syndrome yet.

Gharavi Laboratory, Columbia University
Classification: Uncertain significance. Last evaluated: 2018-09-16. Review status: no assertion criteria provided. Criteria: ACMG Guidelines, 2015. Collection method: research. Allele origin: germline. Affected: yes. Not counted in ClinVar's aggregate classification.

Literature cited by the submitters: PubMed 20738327 (cited by Clinical Genomics, Uppaluri K&H Personalized Medicine Clinic); PubMed 33879153 (cited by Clinical Genomics, Uppaluri K&H Personalized Medicine Clinic); PubMed 12955714 (cited by Clinical Genomics, Uppaluri K&H Personalized Medicine Clinic); PubMed 18060660 (cited by Clinical Genomics, Uppaluri K&H Personalized Medicine Clinic); PubMed 20301750 (cited by Clinical Genomics, Uppaluri K&H Personalized Medicine Clinic); PubMed 17603484 (cited by Clinical Genomics, Uppaluri K&H Personalized Medicine Clinic).

NM_006005.3(WFS1):c.1613T>C (p.Phe538Ser)

Gene: WFS1 (wolframin ER transmembrane glycoprotein; plus strand). Cytogenetic location: 4p16.1.
Variant type: single nucleotide variant.
Coding change: c.1613T>C on transcript NM_006005.3 (MANE Select); coding-DNA position 1613, T replaced by C.
Protein change: p.Phe538Ser; replaces phenylalanine 538 with serine.
Molecular consequence: missense variant.
Genome position (GRCh38, 1-based): chr4:6,301,408, T>C. VCF-style: chr4-6301408-T-C. GRCh37 (hg19) VCF-style: chr4-6303135-T-C.
Other names: c.1613T>C, p.Phe538Ser (NM_001145853.1); short protein forms F538S.
Identifiers: ClinVar variation 591231 (VCV000591231.2), dbSNP rs1560419651, ClinGen allele CA356176267.